The following is an entry in ClinVar:

ClinVar aggregate classification (germline): Likely benign (0 of 4 stars; one submission).

Conditions:
BOD1-related disorder. Also called: BOD1-related condition.

Allele frequency attached by ClinVar (database versions not stated): 1000 Genomes Project 30x 0.00781; ExAC 0.03617.

Submission:

PreventionGenetics, part of Exact Sciences
Classification: Likely benign for BOD1-related condition. Last evaluated: 2019-10-17. Review status: no assertion criteria provided. Collection method: clinical testing. Allele origin: germline.
Comment: This variant is classified as likely benign based on ACMG/AMP sequence variant interpretation guidelines (Richards et al. 2015 PMID: 25741868, with internal and published modifications).

NM_138369.3(BOD1):c.543T>C (p.Ser181=)

Gene: BOD1 (biorientation of chromosomes in cell division 1; minus strand). Cytogenetic location: 5q35.2.
Variant type: single nucleotide variant.
Coding change: c.543T>C on transcript NM_138369.3 (MANE Select); coding-DNA position 543, T replaced by C.
Protein change: p.Ser181=; no amino-acid change (serine 181 retained).
Molecular consequence: synonymous variant. On other transcripts: non-coding transcript variant (4), intron variant (1).
Genome position (GRCh38, 1-based): chr5:173,609,254, A>G on the plus strand (T>C on the coding strand, the complement: BOD1 is on the minus strand). VCF-style: chr5-173609254-A-G. GRCh37 (hg19) VCF-style: chr5-173036257-A-G.
Other names: c.363-962T>C (NM_001159651.3).
Identifiers: ClinVar variation 3056759 (VCV003056759.2), dbSNP rs77014290, ClinGen allele CA3564188.